The following is an entry in ClinVar:

NM_001903.5(CTNNA1):c.1546+5T>C

Gene: CTNNA1 (catenin alpha 1; plus strand). Cytogenetic location: 5q31.2.
Variant type: single nucleotide variant.
Coding change: c.1546+5T>C on transcript NM_001903.5 (MANE Select); 5 bases into the intron after coding-DNA position 1546, T replaced by C.
Molecular consequence: intron variant.
Genome position (GRCh38, 1-based): chr5:138,917,903, T>C. VCF-style: chr5-138917903-T-C. GRCh37 (hg19) VCF-style: chr5-138253592-T-C.
Other names: c.1546+5T>C (NM_001903.2, NM_001323982.2, NM_001323984.2 and 3 more transcripts); c.1453+5T>C (NM_001323986.2); c.1177+5T>C (NM_001290310.3); c.1237+5T>C (NM_001290309.3); c.436+5T>C (NM_001323996.1, NM_001323993.1, NM_001324005.1 and 17 more transcripts); c.97+5T>C (NM_001324007.1, NM_001324009.1, NM_001324006.1 and 2 more transcripts); c.193+5T>C (NM_001324013.1, NM_001324012.1); c.343+5T>C (NM_001324011.1).
Identifiers: ClinVar variation 2828976 (VCV002828976.4), dbSNP rs2533592609, ClinGen allele CA2739275099.

ClinVar aggregate classification (germline): Uncertain significance. Review status: criteria provided, multiple submitters, no conflicts (2 of 4 stars). 2 submissions from 2 submitters: Uncertain significance (2). Last evaluated 2024-10-05.

Conditions:
Hereditary cancer-predisposing syndrome. Also called: Neoplastic Syndromes, Hereditary; Tumor predisposition; Hereditary Cancer Syndrome; Hereditary neoplastic syndrome. Identifiers: Orphanet 140162, MedGen C0027672, MeSH D009386, MONDO:0015356.

Submissions (2):

Ambry Genetics
Classification: Uncertain significance for Hereditary cancer-predisposing syndrome. Last evaluated: 2024-10-05. Review status: criteria provided, single submitter. Criteria: Ambry Variant Classification Scheme 2023. Collection method: clinical testing. Allele origin: germline.
Comment: The c.1546+5T>C intronic variant results from a T to C substitution 5 nucleotides after coding exon 10 in the CTNNA1 gene. This nucleotide position is well conserved in available vertebrate species. In silico splice site analysis for this alteration is inconclusive. The evidence for this gene-disease relationship is limited; therefore, the clinical significance of this alteration is unclear.

Labcorp Genetics (formerly Invitae), Labcorp
Classification: Uncertain significance. Last evaluated: 2023-01-16. Review status: criteria provided, single submitter. Criteria: Invitae Variant Classification Sherloc (09022015). Collection method: clinical testing. Allele origin: germline.
Comment: This sequence change falls in intron 11 of the CTNNA1 gene. It does not directly change the encoded amino acid sequence of the CTNNA1 protein. It affects a nucleotide within the consensus splice site. This variant is not present in population databases (gnomAD no frequency). This variant has not been reported in the literature in individuals affected with CTNNA1-related conditions. Variants that disrupt the consensus splice site are a relatively common cause of aberrant splicing (PMID: 17576681, 9536098). Algorithms developed to predict the effect of sequence changes on RNA splicing suggest that this variant is not likely to affect RNA splicing. In summary, the available evidence is currently insufficient to determine the role of this variant in disease. Therefore, it has been classified as a Variant of Uncertain Significance.

Literature cited by the submitters: PubMed 17576681 (cited by Labcorp Genetics (formerly Invitae), Labcorp); PubMed 9536098 (cited by Labcorp Genetics (formerly Invitae), Labcorp).